The following is an entry in ClinVar:

NM_022458.4(LMBR1):c.1390C>T (p.Leu464Phe)

Gene: LMBR1 (limb development membrane protein 1; minus strand). Cytogenetic location: 7q36.3.
Variant type: single nucleotide variant.
Coding change: c.1390C>T on transcript NM_022458.4 (MANE Select); coding-DNA position 1390, C replaced by T.
Protein change: p.Leu464Phe; replaces leucine 464 with phenylalanine.
Molecular consequence: missense variant. On other transcripts: non-coding transcript variant (2).
Genome position (GRCh38, 1-based): chr7:156,684,161, G>A on the plus strand (C>T on the coding strand, the complement: LMBR1 is on the minus strand). VCF-style: chr7-156684161-G-A. GRCh37 (hg19) VCF-style: chr7-156476855-G-A.
Other names: c.1513C>T, p.Leu505Phe (NM_001350953.2); c.949C>T, p.Leu317Phe (NM_001350954.2); c.934C>T, p.Leu312Phe (NM_001350955.2, NM_001350956.2, NM_001363413.2); c.859C>T, p.Leu287Phe (NM_001350957.2); c.772C>T, p.Leu258Phe (NM_001350958.2); c.1351C>T, p.Leu451Phe (NM_001363409.2); c.1228C>T, p.Leu410Phe (NM_001363410.2); c.1021C>T, p.Leu341Phe (NM_001363411.2); and 1 more; short protein forms L287F, L389F, L312F, L341F, L505F, L464F, L258F, L317F.
Identifiers: ClinVar variation 1500644 (VCV001500644.8), dbSNP rs1444445309, ClinGen allele CA370150781.

ClinVar aggregate classification (germline): Uncertain significance (1 of 4 stars; one submission).

Allele frequency attached by ClinVar (database versions not stated): gnomAD exomes below 0.00001 and 0.00001; gnomAD 0.00001; TOPMed 0.00001.
gnomAD v4.1: 17 of 1,612,894 alleles (0.0011%); highest among the groups gnomAD compares: Middle Eastern, 0.016%; no homozygotes.

Submission:

Labcorp Genetics (formerly Invitae), Labcorp
Classification: Uncertain significance. Last evaluated: 2025-01-13. Review status: criteria provided, single submitter. Criteria: Invitae Variant Classification Sherloc (09022015). Collection method: clinical testing. Allele origin: germline.
Comment: This sequence change replaces leucine, which is neutral and non-polar, with phenylalanine, which is neutral and non-polar, at codon 464 of the LMBR1 protein (p.Leu464Phe). This variant is present in population databases (no rsID available, gnomAD 0.0009%). This variant has not been reported in the literature in individuals affected with LMBR1-related conditions. ClinVar contains an entry for this variant (Variation ID: 1500644). An algorithm developed to predict the effect of missense changes on protein structure and function (PolyPhen-2) suggests that this variant is likely to be disruptive. In summary, the available evidence is currently insufficient to determine the role of this variant in disease. Therefore, it has been classified as a Variant of Uncertain Significance.